The following is an entry in ClinVar:

ClinVar aggregate classification (germline): Likely benign (1 of 4 stars; one submission).

Allele frequency attached by ClinVar (database versions not stated): gnomAD 0.00001; TOPMed 0.00002.
gnomAD v4.1: 1 of 150,464 alleles (0.00066%); highest among the groups gnomAD compares: Non-Finnish European, 0.0015%; no homozygotes.

Submission:

CeGaT Center for Human Genetics Tuebingen
Classification: Likely benign. Last evaluated: 2024-06-01. Review status: criteria provided, single submitter. Criteria: CeGaT Center For Human Genetics Tuebingen Variant Classification Criteria Version 2. Collection method: clinical testing. Allele origin: germline. Affected: yes. Observed: 1 variant allele.
Comment: ARMC9: BP4, BP7

NM_001352754.2(ARMC9):c.1551+249C>T

Gene: ARMC9 (armadillo repeat containing 9; plus strand). Cytogenetic location: 2q37.1.
Variant type: single nucleotide variant.
Coding change: c.1551+249C>T on transcript NM_001352754.2 (MANE Select); 249 bases into the intron after coding-DNA position 1551, C replaced by T.
Molecular consequence: intron variant.
Genome position (GRCh38, 1-based): chr2:231,278,707, C>T. VCF-style: chr2-231278707-C-T. GRCh37 (hg19) VCF-style: chr2-232143420-C-T.
Other names: c.1551+249C>T (NM_001271466.4, NM_001352755.2, NM_001352756.2 and 3 more transcripts); c.1452+249C>T (NM_001352757.2, NM_001352758.2).
Identifiers: ClinVar variation 3250963 (VCV003250963.18), dbSNP rs887674724.